The following is an entry in ClinVar:

ClinVar aggregate classification (germline): Uncertain significance. Review status: criteria provided, multiple submitters, no conflicts (2 of 4 stars). 2 submissions from 2 submitters: Uncertain significance (2). Last evaluated 2025-11-18.

Conditions:
Exudative vitreoretinopathy 4 (EVR4). Identifiers: Orphanet 891, MedGen C1866176, MONDO:0011151, OMIM 601813.
Bone mineral density quantitative trait locus 1 (BMND1). Identifiers: MedGen C1866079, OMIM 601884.
Worth disease. Also called: ENDOSTEAL HYPEROSTOSIS, AUTOSOMAL DOMINANT; OSTEOSCLEROSIS, AUTOSOMAL DOMINANT; Autosomal dominant osteosclerosis, Worth type. Identifiers: Orphanet 2790, MedGen C0432273, MONDO:0007764, OMIM 144750.
Exudative vitreoretinopathy 1 (EVR1). Also called: CRISWICK-SCHEPENS SYNDROME; FEVR, AUTOSOMAL DOMINANT; Familial exudative vitreoretinopathy, autosomal dominant. Identifiers: Orphanet 891, Orphanet 90050, MedGen C1851402, MONDO:0007589, OMIM 133780.
Osteoporosis with pseudoglioma (OPPG). Also called: osteoporosis-pseudoglioma syndrome. Identifiers: Orphanet 2788, MedGen C0432252, MONDO:0009820, OMIM 259770.
Polycystic liver disease 4 with or without kidney cysts. Identifiers: MedGen C4693479, MONDO:0044327, OMIM 617875.
Osteoporosis. Identifiers: MedGen C0029456, MONDO:0005298, OMIM 166710, HP:0000939.
Autosomal dominant osteopetrosis 1 (OPTA1). Also called: OSTEOPETROSIS, AUTOSOMAL DOMINANT, TYPE I. Identifiers: Orphanet 2783, MedGen C1843330, MONDO:0011877, OMIM 607634.

Allele frequency attached by ClinVar (database versions not stated): 1000 Genomes Project 30x 0.00016; 1000 Genomes Project 0.00020.
gnomAD v4.1: 12 of 1,614,134 alleles (0.00074%); highest among the groups gnomAD compares: East Asian, 0.0022%; no homozygotes.

Submissions (2):

Labcorp Genetics (formerly Invitae), Labcorp
Classification: Uncertain significance. Last evaluated: 2025-11-18. Review status: criteria provided, single submitter. Criteria: Invitae Variant Classification Sherloc (09022015). Collection method: clinical testing. Allele origin: germline.
Comment: This sequence change replaces serine, which is neutral and polar, with leucine, which is neutral and non-polar, at codon 192 of the LRP5 protein (p.Ser192Leu). This variant is present in population databases (rs549579496, gnomAD 0.0009%). This variant has not been reported in the literature in individuals affected with LRP5-related conditions. ClinVar contains an entry for this variant (Variation ID: 1391843). Invitae Evidence Modeling of protein sequence and biophysical properties (such as structural, functional, and spatial information, amino acid conservation, physicochemical variation, residue mobility, and thermodynamic stability) has been performed for this missense variant. However, the output from this modeling did not meet the statistical confidence thresholds required to predict the impact of this variant on LRP5 protein function. In summary, the available evidence is currently insufficient to determine the role of this variant in disease. Therefore, it has been classified as a Variant of Uncertain Significance.

Fulgent Genetics
Classification: Uncertain significance for Exudative vitreoretinopathy 1; Worth disease; Osteoporosis; Osteoporosis with pseudoglioma; Exudative vitreoretinopathy 4; Bone mineral density quantitative trait locus 1; Autosomal dominant osteopetrosis 1; Polycystic liver disease 4 with or without kidney cysts. Last evaluated: 2021-10-18. Review status: criteria provided, single submitter. Criteria: ACMG Guidelines, 2015. Collection method: clinical testing. Allele origin: unknown.

NM_002335.4(LRP5):c.575C>T (p.Ser192Leu)

Gene: LRP5 (LDL receptor related protein 5; plus strand). Cytogenetic location: 11q13.2.
Variant type: single nucleotide variant.
Coding change: c.575C>T on transcript NM_002335.4 (MANE Select); coding-DNA position 575, C replaced by T.
Protein change: p.Ser192Leu; replaces serine 192 with leucine.
Molecular consequence: missense variant. On other transcripts: 5 prime UTR variant (1).
Genome position (GRCh38, 1-based): chr11:68,357,736, C>T. VCF-style: chr11-68357736-C-T. GRCh37 (hg19) VCF-style: chr11-68125204-C-T.
Other names: c.-1191C>T (NM_001291902.2); short protein forms S192L.
Identifiers: ClinVar variation 1391843 (VCV001391843.7), dbSNP rs549579496, ClinGen allele CA6149057.
Genomic context (GRCh38, chr11:68,357,736, plus strand): 5'-AGACGCCCCGGATTGAGCGGGCAGGGATGGATGGCAGCACCCGGAAGATCATTGTGGACT[C>T]GGACATTTACTGGCCCAATGGACTGACCATCGACCTGGAGGAGCAGAAGCTCTACTGGGC-3'
Protein context (NP_002326.2, residues 182-202): DGSTRKIIVD[Ser192Leu]DIYWPNGLTI